The following is an entry in ClinVar:

NM_000138.5(FBN1):c.7454A>G (p.Asp2485Gly)

Gene: FBN1 (fibrillin 1; minus strand). Cytogenetic location: 15q21.1.
Variant type: single nucleotide variant.
Coding change: c.7454A>G on transcript NM_000138.5 (MANE Select); coding-DNA position 7454, A replaced by G.
Protein change: p.Asp2485Gly; replaces aspartic acid 2485 with glycine.
Molecular consequence: missense variant.
Genome position (GRCh38, 1-based): chr15:48,422,068, T>C on the plus strand (A>G on the coding strand, the complement: FBN1 is on the minus strand). VCF-style: chr15-48422068-T-C. GRCh37 (hg19) VCF-style: chr15-48714265-T-C.
Other names: short protein forms D2485G.
Identifiers: ClinVar variation 427047 (VCV000427047.7), dbSNP rs1085307921, ClinGen allele CA392326285.

ClinVar aggregate classification (germline): Likely pathogenic. Review status: criteria provided, multiple submitters, no conflicts (2 of 4 stars). 3 submissions from 3 submitters: Likely pathogenic (3). Last evaluated 2025-11-05.

Conditions:
Familial thoracic aortic aneurysm and aortic dissection (TAAD). Also called: Thoracic aortic aneurysms and dissections. Identifiers: Orphanet 91387, MedGen C4707243, MONDO:0019625.
Marfan syndrome (MFS). Also called: MARFAN SYNDROME, TYPE I; FBN1-Related Marfan Syndrome; Marfan syndrome type 1; Marfan's syndrome; Marfan syndrome, classic. Identifiers: Orphanet 284963, Orphanet 558, MedGen C0024796, MONDO:0007947, OMIM 154700.

Submissions (3):

GeneDx
Classification: Likely pathogenic. Last evaluated: 2025-11-05. Review status: criteria provided, single submitter. Criteria: GeneDx Variant Classification Process June 2021. Collection method: clinical testing. Allele origin: germline. Affected: yes.
Comment: Reported in patients with features suggestive of Marfan syndrome (MFS) in published literature (PMID: 25652356, 34008892); Not observed at significant frequency in large population cohorts (gnomAD); In silico analysis supports that this missense variant has a deleterious effect on protein structure/function; This variant is associated with the following publications: (PMID: 34008892, 25652356, 20591885)

Ambry Genetics
Classification: Likely pathogenic for Familial thoracic aortic aneurysm and aortic dissection. Last evaluated: 2025-01-27. Review status: criteria provided, single submitter. Criteria: Ambry Variant Classification Scheme 2023. Collection method: clinical testing. Allele origin: germline.
Comment: The p.D2485G variant (also known as c.7454A>G) is located in coding exon 60 of the FBN1 gene. The aspartic acid at codon 2485 is replaced by glycine, an amino acid with similar properties. This change occurs in the first base pair of coding exon 60. This variant was reported in individual(s) with features consistent with Marfan syndrome (Baudhuin LM et al. J Hum Genet, 2015 May;60:241-52; Marinakis NM et al. Am J Med Genet A, 2021 Aug;185:2561-2571; Ambry internal data). This variant alters a conserved residue in the calcium-binding consensus sequence of a cbEGF domain and is expected to disrupt FBN1 function (Handford PA et al. Nature. 1991; 351(6322):164-7). This variant is considered to be rare based on population cohorts in the Genome Aggregation Database (gnomAD).This amino acid position is highly conserved in available vertebrate species. In addition, this alteration is predicted to be deleterious by in silico analysis. Based on the majority of available evidence to date, this variant is likely to be pathogenic.

Laboratory of Medical Genetics, National & Kapodistrian University of Athens
Classification: Likely pathogenic for Marfan syndrome. Last evaluated: 2021-10-01. Review status: criteria provided, single submitter. Criteria: ACMG Guidelines, 2015. Collection method: clinical testing. Allele origin: unknown. Affected: yes.
Comment: PM1, PM2, PP3, PP4, PP5

Literature cited by the submitters: PubMed 25652356 (cited by Ambry Genetics); PubMed 34008892 (cited by Ambry Genetics and Laboratory of Medical Genetics, National & Kapodistrian University of Athens).